The following is an entry in ClinVar:

ClinVar aggregate classification (germline): Uncertain significance (1 of 4 stars; one submission).

Allele frequency attached by ClinVar (database versions not stated): gnomAD exomes 0.00001.
gnomAD v4.1: 8 of 1,211,641 alleles (0.00066%); highest among the groups gnomAD compares: East Asian, 0.0059%; no homozygotes.

Submission:

Labcorp Genetics (formerly Invitae), Labcorp
Classification: Uncertain significance. Last evaluated: 2024-01-02. Review status: criteria provided, single submitter. Criteria: Invitae Variant Classification Sherloc (09022015). Collection method: clinical testing. Allele origin: germline.
Comment: This sequence change replaces valine, which is neutral and non-polar, with isoleucine, which is neutral and non-polar, at codon 333 of the RBM10 protein (p.Val333Ile). This variant is not present in population databases (gnomAD no frequency). This variant has not been reported in the literature in individuals affected with RBM10-related conditions. Advanced modeling of protein sequence and biophysical properties (such as structural, functional, and spatial information, amino acid conservation, physicochemical variation, residue mobility, and thermodynamic stability) performed at Invitae indicates that this missense variant is not expected to disrupt RBM10 protein function with a negative predictive value of 80%. In summary, the available evidence is currently insufficient to determine the role of this variant in disease. Therefore, it has been classified as a Variant of Uncertain Significance.

NM_005676.5(RBM10):c.997G>A (p.Val333Ile)

Gene: RBM10 (RNA binding motif protein 10; plus strand). Cytogenetic location: Xp11.3.
Variant type: single nucleotide variant.
Coding change: c.997G>A on transcript NM_005676.5 (MANE Select); coding-DNA position 997, G replaced by A.
Protein change: p.Val333Ile; replaces valine 333 with isoleucine.
Molecular consequence: missense variant.
Genome position (GRCh38, 1-based): chrX:47,179,975, G>A. VCF-style: chrX-47179975-G-A. GRCh37 (hg19) VCF-style: chrX-47039374-G-A.
Other names: c.766G>A, p.Val256Ile (NM_001204466.2, NM_152856.3); c.997G>A, p.Val333Ile (NM_001204467.2); c.1192G>A, p.Val398Ile (NM_001204468.2); short protein forms V333I, V256I, V398I.
Identifiers: ClinVar variation 2875238 (VCV002875238.3), dbSNP rs962890875, ClinGen allele CA412798114.
Genomic context (GRCh38, chrX:47,179,975, plus strand): 5'-ATGGATTCCATCCTGGGGGCCCTGGCACCCTACGCGGTGCTGTCCTCCTCCAACGTGCGC[G>A]TCATAAAGGACAAGCAGACCCAACTGAACCGCGGCTTTGCCTTCATCCAGCTCTCCACCA-3'
Protein context (NP_005667.2, residues 323-343): YAVLSSSNVR[Val333Ile]IKDKQTQLNR